The following is an entry in ClinVar:

ClinVar aggregate classification (germline): Conflicting classifications of pathogenicity. Review status: criteria provided, conflicting classifications (1 of 4 stars). 4 submissions from 4 submitters: Uncertain significance (2); Likely benign (1). 1 of the submissions does not count toward it. Last evaluated 2024-04-07.

Conditions:
Inborn genetic diseases. Identifiers: MedGen C0950123, MeSH D030342.
Increased circulating aldosterone concentration. Also called: Hyperaldosteronism. Identifiers: MedGen C0020428, MONDO:0003009, HP:0000859.
Hyperaldosteronism, familial, type IV (HALD4). Also called: FH IV; ALDOSTERONISM, PRIMARY, AND HYPERTENSION. Identifiers: Orphanet 642671, MedGen C4310756, MONDO:0014875, OMIM 617027.
Idiopathic generalized epilepsy. Also called: Generalised epilepsy; EIG. Identifiers: MedGen C0270850, MONDO:0005579, OMIM 600669.

Allele frequency attached by ClinVar (database versions not stated): gnomAD 0.00011; gnomAD exomes 0.00013; TOPMed 0.00014; ESP Exome Variant Server 0.00016; ExAC 0.00023.
gnomAD v4.1: 79 of 1,565,106 alleles (0.005%); highest among the groups gnomAD compares: Middle Eastern, 0.033%; no homozygotes.

Submissions (4):

Labcorp Genetics (formerly Invitae), Labcorp
Classification: Likely benign for Idiopathic generalized epilepsy; Hyperaldosteronism, familial, type IV. Last evaluated: 2024-04-07. Review status: criteria provided, single submitter. Criteria: Invitae Variant Classification Sherloc (09022015). Collection method: clinical testing. Allele origin: germline.

Ambry Genetics
Classification: Uncertain significance for Inborn genetic diseases. Last evaluated: 2021-11-15. Review status: criteria provided, single submitter. Criteria: Ambry Variant Classification Scheme 2023. Collection method: clinical testing. Allele origin: germline.

GeneDx
Classification: Uncertain significance. Last evaluated: 2015-12-29. Review status: criteria provided, single submitter. Criteria: GeneDx Variant Classification (06012015). Collection method: clinical testing. Allele origin: germline. Affected: yes.
Comment: The V1937M variant in the CACNA1H gene has not been reported previously as a pathogenic variant, nor as a benign variant, to our knowledge. The V1937M variant was not observed at any significant frequency in approximately 6200 individuals of European and African American ancestry in the NHLBI Exome Sequencing Project, indicating it is not a common benign variant in these populations. The V1937M variant is a conservative amino acid substitution, which occurs at a position that is conserved across species. In silico analysis is inconsistent in its predictions as to whether or not the variant is damaging to the protein structure/function. We interpret V1937M as a variant of uncertain significance.

Taiwan Primary Aldosteronism Investigation
Classification: Likely pathogenic for Increased circulating aldosterone concentration. Last evaluated: 2019-09-06. Review status: no assertion criteria provided. Collection method: clinical testing. Allele origin: somatic. Affected: yes. Not counted in ClinVar's aggregate classification.
Comment: The immunohistochemistry analysis showed positive CYP11B2 immunostaining in the nodule harboring CACNA1H p.V1931M mutation. The functional effect of somatic CACNA1H p.V1931M variant results in increased CYP11B2 expression and aldosterone production in HAC15 cells.

NM_021098.3(CACNA1H):c.5809G>A (p.Val1937Met)

Gene: CACNA1H (calcium voltage-gated channel subunit alpha1 H; plus strand). Cytogenetic location: 16p13.3.
Variant type: single nucleotide variant.
Coding change: c.5809G>A on transcript NM_021098.3 (MANE Select); coding-DNA position 5809, G replaced by A.
Protein change: p.Val1937Met; replaces valine 1937 with methionine.
Molecular consequence: missense variant.
Genome position (GRCh38, 1-based): chr16:1,218,573, G>A. VCF-style: chr16-1218573-G-A. GRCh37 (hg19) VCF-style: chr16-1268573-G-A.
Other names: c.5791G>A, p.Val1931Met (NM_001005407.2); short protein forms V1937M, V1931M.
Identifiers: ClinVar variation 279726 (VCV000279726.15), dbSNP rs60040113, ClinGen allele CA7802132.
Genomic context (GRCh38, chr16:1,218,573, plus strand): 5'-CGCAAGGTGTCCGTGTCCAGGATGCTCTCGCTGCCCAACGACAGCTACATGTTCAGGCCC[G>A]TGGTGCCTGCCTCGGCGCCCCACCCCCGCCCGCTGCAGGAGGTGGAGATGGAGACCTATG-3'
Protein context (NP_066921.2, residues 1927-1947): LPNDSYMFRP[Val1937Met]VPASAPHPRP